The following is an entry in ClinVar:

NM_001040108.2(MLH3):c.638A>C (p.Gln213Pro)

Gene: MLH3 (mutL homolog 3; minus strand). Cytogenetic location: 14q24.3.
Variant type: single nucleotide variant.
Coding change: c.638A>C on transcript NM_001040108.2 (MANE Select); coding-DNA position 638, A replaced by C.
Protein change: p.Gln213Pro; replaces glutamine 213 with proline.
Molecular consequence: missense variant.
Genome position (GRCh38, 1-based): chr14:75,049,018, T>G on the plus strand (A>C on the coding strand, the complement: MLH3 is on the minus strand). VCF-style: chr14-75049018-T-G. GRCh37 (hg19) VCF-style: chr14-75515721-T-G.
Other names: c.638A>C, p.Gln213Pro (NM_014381.3); short protein forms Q213P.
Identifiers: ClinVar variation 478043 (VCV000478043.12), dbSNP rs370194355, ClinGen allele CA7275991.

ClinVar aggregate classification (germline): Uncertain significance. Review status: criteria provided, multiple submitters, no conflicts (2 of 4 stars). 2 submissions from 2 submitters: Uncertain significance (2). Last evaluated 2025-06-09.

Conditions:
Colorectal cancer, hereditary nonpolyposis, type 7. Identifiers: Orphanet 144, MedGen C1858380, MONDO:0013725, OMIM 614385.

Allele frequency attached by ClinVar (database versions not stated): gnomAD exomes 0.00001; ExAC 0.00002; TOPMed 0.00002; gnomAD 0.00005; ESP Exome Variant Server 0.00008; 1000 Genomes Project 30x 0.00016; 1000 Genomes Project 0.00020.
gnomAD v4.1: 7 of 1,614,152 alleles (0.00043%); highest among the groups gnomAD compares: African/African-American, 0.0093%; no homozygotes.

Submissions (2):

Labcorp Genetics (formerly Invitae), Labcorp
Classification: Uncertain significance for Colorectal cancer, hereditary nonpolyposis, type 7. Last evaluated: 2025-06-09. Review status: criteria provided, single submitter. Criteria: Invitae Variant Classification Sherloc (09022015). Collection method: clinical testing. Allele origin: germline.
Comment: This sequence change replaces glutamine, which is neutral and polar, with proline, which is neutral and non-polar, at codon 213 of the MLH3 protein (p.Gln213Pro). This variant is present in population databases (rs370194355, gnomAD 0.02%). This variant has not been reported in the literature in individuals affected with MLH3-related conditions. ClinVar contains an entry for this variant (Variation ID: 478043). An algorithm developed to predict the effect of missense changes on protein structure and function (PolyPhen-2) suggests that this variant is likely to be disruptive. In summary, the available evidence is currently insufficient to determine the role of this variant in disease. Therefore, it has been classified as a Variant of Uncertain Significance.

Ambry Genetics
Classification: Uncertain significance. Last evaluated: 2025-03-20. Review status: criteria provided, single submitter. Criteria: Ambry Variant Classification Scheme 2023. Collection method: clinical testing. Allele origin: germline.
Comment: The p.Q213P variant (also known as c.638A>C), located in coding exon 1 of the MLH3 gene, results from an A to C substitution at nucleotide position 638. The glutamine at codon 213 is replaced by proline, an amino acid with similar properties. This amino acid position is highly conserved in available vertebrate species. In addition, this alteration is predicted to be deleterious by in silico analysis. The evidence for this gene-disease relationship is limited; therefore, the clinical significance of this alteration is unclear.